The following is an entry in ClinVar:

ClinVar aggregate classification (germline): Benign. Review status: criteria provided, multiple submitters, no conflicts (2 of 4 stars). 13 submissions from 13 submitters: Benign (11). 2 of the submissions do not count toward it. Last evaluated 2026-02-04.

Conditions:
Cardiovascular phenotype. Identifiers: MedGen CN230736.
Cardiomyopathy (CMYO). Also called: Cardiomyopathies. Identifiers: Orphanet 167848, MedGen C0878544, MONDO:0004994, HP:0001638. Inheritance: Various modes of inheritance.
Dilated cardiomyopathy 1AA (CMD1AA). Also called: Cardiomyopathy, dilated, 1AA, with or without LVNC; CARDIOMYOPATHY, DILATED, 1AA, WITH OR WITHOUT LEFT VENTRICULAR NONCOMPACTION; CARDIOMYOPATHY, FAMILIAL HYPERTROPHIC, 23, WITH OR WITHOUT LEFT VENTRICULAR NONCOMPACTION. Identifiers: Orphanet 154, MedGen C2677338, MONDO:0012808, OMIM 612158.
Primary familial hypertrophic cardiomyopathy (HCM). Identifiers: Orphanet 99739, MedGen C0949658, MeSH D024741, MONDO:0024573. Inheritance: Various modes of inheritance.

Allele frequency attached by ClinVar (database versions not stated): ESP Exome Variant Server 0.00054; TOPMed 0.00520; gnomAD exomes 0.00525 and 0.01528; gnomAD 0.00749 and 0.00899; ExAC 0.01353; 1000 Genomes Project 30x 0.03154; 1000 Genomes Project 0.03355.
gnomAD v4.1: 9,387 of 1,613,988 alleles (0.58%); highest among the groups gnomAD compares: East Asian, 8.8%; 346 homozygotes.

Submissions (13):

Labcorp Genetics (formerly Invitae), Labcorp
Classification: Benign for Primary familial hypertrophic cardiomyopathy; Dilated cardiomyopathy 1AA. Last evaluated: 2026-02-04. Review status: criteria provided, single submitter. Criteria: Invitae Variant Classification Sherloc (09022015). Collection method: clinical testing. Allele origin: germline.

Molecular Diagnostic Laboratory for Inherited Cardiovascular Disease, Montreal Heart Institute
Classification: Benign. Last evaluated: 2025-04-09. Review status: criteria provided, single submitter. Criteria: ACMG Guidelines, 2015. Collection method: clinical testing. Allele origin: germline. Affected: no.

Blueprint Genetics
Classification: Benign. Last evaluated: 2024-11-25. Review status: criteria provided, single submitter. Criteria: ACMG Guidelines, 2015. Collection method: clinical testing. Allele origin: germline.

Mayo Clinic Laboratories, Mayo Clinic
Classification: Benign. Last evaluated: 2018-10-03. Review status: criteria provided, single submitter. Criteria: ACMG Guidelines, 2015. Collection method: clinical testing. Allele origin: germline. Observed: 13 variant alleles.

Illumina Laboratory Services, Illumina
Classification: Benign for Dilated cardiomyopathy 1AA. Last evaluated: 2018-01-13. Review status: criteria provided, single submitter. Criteria: ICSL Variant Classification Criteria 13 December 2019. Collection method: clinical testing. Allele origin: germline.
Comment: This variant was observed in the ICSL laboratory as part of a predisposition screen in an ostensibly healthy population. It had not been previously curated by ICSL or reported in the Human Gene Mutation Database (HGMD: prior to June 1st, 2018), and was therefore a candidate for classification through an automated scoring system. Utilizing variant allele frequency, disease prevalence and penetrance estimates, and inheritance mode, an automated score was calculated to assess if this variant is too frequent to cause the disease. Based on the score and internal cut-off values, a variant classified as benign is not then subjected to further curation. The score for this variant resulted in a classification of benign for this disease.

Women's Health and Genetics/Laboratory Corporation of America, LabCorp
Classification: Benign. Last evaluated: 2016-08-02. Review status: criteria provided, single submitter. Criteria: LabCorp Variant Classification Summary - May 2015. Collection method: clinical testing. Allele origin: germline.
Comment: Variant summary: The ACTN2 c.705G>C (p.Val235Val) variant involves the alteration of a non-conserved nucleotide, resulting in a synonymous change. One in silico tool (MutationTaster) predicts a polymorphism outcome for this variant. 4/5 splice prediction tools predict no significant impact on normal splicing. This variant was found in 1636/120960 control chromosomes (including 73 homozygotes), predominantly observed in the East Asian subpopulation at a frequency of 0.1080705 (932/8624). This frequency is about 4323 times the estimated maximal expected allele frequency of a pathogenic ACTN2 variant (0.000025), suggesting this is a common benign polymorphism found primarily in the populations of East Asian origin. This polymorphism has also been reported in HCM patients without strong evidence of causality. In addition, multiple clinical diagnostic laboratories have classified this variant as benign. Taken together, this variant is classified as Benign.

CHEO Genetics Diagnostic Laboratory, Children's Hospital of Eastern Ontario
Classification: Benign for Cardiomyopathy. Last evaluated: 2015-11-18. Review status: criteria provided, single submitter. Criteria: ACMG Guidelines, 2015. Collection method: clinical testing. Allele origin: germline. Study: Canadian Open Genetics Repository.

Ambry Genetics
Classification: Benign for Cardiovascular phenotype. Last evaluated: 2015-06-16. Review status: criteria provided, single submitter. Criteria: Ambry Variant Classification Scheme 2023. Collection method: clinical testing. Allele origin: germline.

GeneDx
Classification: Benign. Last evaluated: 2013-04-29. Review status: criteria provided, single submitter. Criteria: GeneDx Variant Classification (06012015). Collection method: clinical testing. Allele origin: germline. Affected: yes.
Comment: This variant is considered likely benign or benign based on one or more of the following criteria: it is a conservative change, it occurs at a poorly conserved position in the protein, it is predicted to be benign by multiple in silico algorithms, and/or has population frequency not consistent with disease.

Laboratory for Molecular Medicine, Mass General Brigham Personalized Medicine
Classification: Benign. Last evaluated: 2009-07-24. Review status: criteria provided, single submitter. Criteria: LMM Criteria. Collection method: clinical testing. Allele origin: germline. Observed: 35 variant alleles.

Breakthrough Genomics
Classification: Benign. Review status: criteria provided, single submitter. Criteria: ACMG Guidelines, 2015. Collection method: not provided. Allele origin: germline. Inheritance: Autosomal dominant inheritance. Affected: yes.

Clinical Genetics, Academic Medical Center
Classification: Benign. Review status: no assertion criteria provided. Collection method: clinical testing. Allele origin: germline. Affected: yes. Study: VKGL Data-share Consensus. Not counted in ClinVar's aggregate classification.

Joint Genome Diagnostic Labs from Nijmegen and Maastricht, Radboudumc and MUMC+
Classification: Benign. Review status: no assertion criteria provided. Collection method: clinical testing. Allele origin: germline. Affected: yes. Study: VKGL Data-share Consensus. Not counted in ClinVar's aggregate classification.

Literature cited by the submitters: PubMed 20022194 (cited by Women's Health and Genetics/Laboratory Corporation of America, LabCorp).

NM_001103.4(ACTN2):c.705G>C (p.Val235=)

Gene: ACTN2 (actinin alpha 2; plus strand). Cytogenetic location: 1q43.
Variant type: single nucleotide variant.
Coding change: c.705G>C on transcript NM_001103.4 (MANE Select); coding-DNA position 705, G replaced by C.
Protein change: p.Val235=; no amino-acid change (valine 235 retained).
Molecular consequence: synonymous variant. On other transcripts: 5 prime UTR variant (1), intron variant (1).
Genome position (GRCh38, 1-based): chr1:236,735,642, G>C. VCF-style: chr1-236735642-G-C. GRCh37 (hg19) VCF-style: chr1-236898942-G-C.
Other names: p.V235V:GTG>GTC; p.Val235=; c.-31G>C (NM_001278344.2); c.783+1124G>C (NM_001278343.2).
Identifiers: ClinVar variation 43943 (VCV000043943.32), dbSNP rs2288599, ClinGen allele CA133210.
Genomic context (GRCh38, chr1:236,735,642, plus strand): 5'-TGTGTGTGGTGTGTGTGTGTGCGCGCGTCCTGTGTTATTTTCTCCCCCTTCAGACATCGT[G>C]AACACCCCTAAACCCGATGAAAGAGCCATCATGACGTACGTCTCTTGCTTCTACCACGCT-3'
Protein context (NP_001094.1, residues 225-245): IPKMLDAEDI[Val235=]NTPKPDERAI